The following is an entry in ClinVar:

NM_000494.4(COL17A1):c.2182G>C (p.Gly728Arg)

Gene: COL17A1 (collagen type XVII alpha 1 chain; minus strand). Cytogenetic location: 10q25.1.
Variant type: single nucleotide variant.
Coding change: c.2182G>C on transcript NM_000494.4 (MANE Select); coding-DNA position 2182, G replaced by C.
Protein change: p.Gly728Arg; replaces glycine 728 with arginine.
Molecular consequence: missense variant.
Genome position (GRCh38, 1-based): chr10:104,049,454, C>G on the plus strand (G>C on the coding strand, the complement: COL17A1 is on the minus strand). VCF-style: chr10-104049454-C-G. GRCh37 (hg19) VCF-style: chr10-105809212-C-G.
Other names: short protein forms G728R.
Identifiers: ClinVar variation 3907541 (VCV003907541.1).
Genomic context (GRCh38, chr10:104,049,454, plus strand): 5'-CTTTGGAACACTTACCCATTGCTCCTTTAGCCCCGGGCTCACCAACAGCACCAGGCAAAC[C>G]TCTCATGCCAGGCTCGCCTGCAAAGGACAAAGAACTAGCTGGTTGGACACTTGCAAGCTG-3'
Protein context (NP_000485.3, residues 718-738): RGLTGEPGMR[Gly728Arg]LPGAVGEPGA

ClinVar aggregate classification (germline): Uncertain significance (1 of 4 stars; one submission).

gnomAD v4.1: 23 of 1,614,254 alleles (0.0014%); highest among the groups gnomAD compares: Non-Finnish European, 0.0019%; no homozygotes.

Submission:

Women's Health and Genetics/Laboratory Corporation of America, LabCorp
Classification: Uncertain significance. Last evaluated: 2025-06-25. Review status: criteria provided, single submitter. Criteria: LabCorp Variant Classification Summary - May 2015. Collection method: clinical testing. Allele origin: germline.
Comment: Variant summary: COL17A1 c.2182G>C (p.Gly728Arg) results in a non-conservative amino acid change in the encoded protein sequence. Algorithms developed to predict the effect of missense changes on protein structure and function all suggest that this variant is likely to be disruptive. The variant allele was found at a frequency of 4e-06 in 251420 control chromosomes. The available data on variant occurrences in the general population are insufficient to allow any conclusion about variant significance. To our knowledge, no occurrence of c.2182G>C in individuals affected with Junctional Epidermolysis Bullosa and no experimental evidence demonstrating its impact on protein function have been reported. No submitters have cited clinical-significance assessments for this variant to ClinVar. Based on the evidence outlined above, the variant was classified as uncertain significance.